The following is an entry in ClinVar:

ClinVar aggregate classification (germline): Uncertain significance. Review status: criteria provided, multiple submitters, no conflicts (2 of 4 stars). 2 submissions from 2 submitters: Uncertain significance (2). Last evaluated 2024-10-15.

Conditions:
Inborn genetic diseases. Identifiers: MedGen C0950123, MeSH D030342.

Allele frequency attached by ClinVar (database versions not stated): gnomAD exomes 0.00001; ExAC 0.00006; ESP Exome Variant Server 0.00008; TOPMed 0.00011; gnomAD 0.00013; 1000 Genomes Project 30x 0.00016; 1000 Genomes Project 0.00020.
gnomAD v4.1: 37 of 1,612,770 alleles (0.0023%); highest among the groups gnomAD compares: African/African-American, 0.037%; no homozygotes.

Submissions (2):

Labcorp Genetics (formerly Invitae), Labcorp
Classification: Uncertain significance. Last evaluated: 2024-10-15. Review status: criteria provided, single submitter. Criteria: Invitae Variant Classification Sherloc (09022015). Collection method: clinical testing. Allele origin: germline.
Comment: This sequence change replaces aspartic acid, which is acidic and polar, with asparagine, which is neutral and polar, at codon 291 of the MBTPS1 protein (p.Asp291Asn). This variant is present in population databases (rs181348739, gnomAD 0.03%). This variant has not been reported in the literature in individuals affected with MBTPS1-related conditions. ClinVar contains an entry for this variant (Variation ID: 2176338). An algorithm developed to predict the effect of missense changes on protein structure and function (PolyPhen-2) suggests that this variant is likely to be disruptive. In summary, the available evidence is currently insufficient to determine the role of this variant in disease. Therefore, it has been classified as a Variant of Uncertain Significance.

Ambry Genetics
Classification: Uncertain significance for Inborn genetic diseases. Last evaluated: 2024-01-04. Review status: criteria provided, single submitter. Criteria: Ambry Variant Classification Scheme 2023. Collection method: clinical testing. Allele origin: germline.

NM_003791.4(MBTPS1):c.871G>A (p.Asp291Asn)

Genes: MBTPS1 (membrane bound transcription factor peptidase, site 1; minus strand), LOC126862423 (CDK7 strongly-dependent group 2 enhancer GRCh37_chr16:84125154-84126353; plus strand). Cytogenetic location: 16q23.3.
Variant type: single nucleotide variant.
Coding change: c.871G>A on transcript NM_003791.4 (MANE Select); coding-DNA position 871, G replaced by A.
Protein change: p.Asp291Asn; replaces aspartic acid 291 with asparagine.
Molecular consequence: missense variant.
Genome position (GRCh38, 1-based): chr16:84,091,824, C>T on the plus strand (G>A on the coding strand, the complement: MBTPS1 is on the minus strand). VCF-style: chr16-84091824-C-T. GRCh37 (hg19) VCF-style: chr16-84125429-C-T.
Other names: c.871G>A (NM_003791.2); short protein forms D291N.
Identifiers: ClinVar variation 2176338 (VCV002176338.3), dbSNP rs181348739, ClinGen allele CA8201591.
Genomic context (GRCh38, chr16:84,091,824, plus strand): 5'-GGCCGCCGATGCTGAGGTTTAACACGTCGATCTTCTTTAAAATGGCATAGTTGAAGGCGT[C>T]CAAAAACCAAGATGTGTAAGATACCTAGTTAAATATTATAACAGTCTGCTTAGTGTTTCA-3'
Protein context (NP_003782.1, residues 281-301): NQVSYTSWFL[Asp291Asn]AFNYAILKKI